The following is an entry in ClinVar:

NM_000257.4(MYH7):c.566A>G (p.Lys189Arg)

Gene: MYH7 (myosin heavy chain 7; minus strand). Cytogenetic location: 14q11.2.
Variant type: single nucleotide variant.
Coding change: c.566A>G on transcript NM_000257.4 (MANE Select); coding-DNA position 566, A replaced by G.
Protein change: p.Lys189Arg; replaces lysine 189 with arginine.
Molecular consequence: missense variant.
Genome position (GRCh38, 1-based): chr14:23,431,834, T>C on the plus strand (A>G on the coding strand, the complement: MYH7 is on the minus strand). VCF-style: chr14-23431834-T-C. GRCh37 (hg19) VCF-style: chr14-23901043-T-C.
Other names: short protein forms K189R.
Identifiers: ClinVar variation 1468472 (VCV001468472.8), dbSNP rs2138682389, ClinGen allele CA389052522.

ClinVar aggregate classification (germline): Uncertain significance (1 of 4 stars; one submission).

Conditions:
Hypertrophic cardiomyopathy. Also called: HYPERTROPHIC MYOCARDIOPATHY. Identifiers: Orphanet 217569, MedGen C0007194, MeSH D002312, MONDO:0005045, HP:0001639.

Submission:

Labcorp Genetics (formerly Invitae), Labcorp
Classification: Uncertain significance for Hypertrophic cardiomyopathy. Last evaluated: 2022-09-12. Review status: criteria provided, single submitter. Criteria: Invitae Variant Classification Sherloc (09022015). Collection method: clinical testing. Allele origin: germline.
Comment: In summary, the available evidence is currently insufficient to determine the role of this variant in disease. Therefore, it has been classified as a Variant of Uncertain Significance. Advanced modeling of protein sequence and biophysical properties (such as structural, functional, and spatial information, amino acid conservation, physicochemical variation, residue mobility, and thermodynamic stability) performed at Invitae indicates that this missense variant is expected to disrupt MYH7 protein function. ClinVar contains an entry for this variant (Variation ID: 1468472). This variant has not been reported in the literature in individuals affected with MYH7-related conditions. This variant is not present in population databases (gnomAD no frequency). This sequence change replaces lysine, which is basic and polar, with arginine, which is basic and polar, at codon 189 of the MYH7 protein (p.Lys189Arg).